The following is an entry in ClinVar:

ClinVar aggregate classification (germline): Uncertain significance (1 of 4 stars; one submission).

Submission:

Labcorp Genetics (formerly Invitae), Labcorp
Classification: Uncertain significance. Last evaluated: 2023-05-03. Review status: criteria provided, single submitter. Criteria: Invitae Variant Classification Sherloc (09022015). Collection method: clinical testing. Allele origin: germline.
Comment: This variant is not present in population databases (gnomAD no frequency). This sequence change replaces leucine, which is neutral and non-polar, with proline, which is neutral and non-polar, at codon 31 of the RHO protein (p.Leu31Pro). This variant has not been reported in the literature in individuals affected with RHO-related conditions. In summary, the available evidence is currently insufficient to determine the role of this variant in disease. Therefore, it has been classified as a Variant of Uncertain Significance. This variant disrupts the p.Leu31 amino acid residue in RHO. Other variant(s) that disrupt this residue have been determined to be pathogenic (PMID: 30390055). This suggests that this residue is clinically significant, and that variants that disrupt this residue are likely to be disease-causing. Advanced modeling of protein sequence and biophysical properties (such as structural, functional, and spatial information, amino acid conservation, physicochemical variation, residue mobility, and thermodynamic stability) performed at Invitae indicates that this missense variant is not expected to disrupt RHO protein function.

Literature cited by the submitters: PubMed 30390055.

NM_000539.3(RHO):c.92T>C (p.Leu31Pro)

Gene: RHO (rhodopsin; plus strand). Cytogenetic location: 3q22.1.
Variant type: single nucleotide variant.
Coding change: c.92T>C on transcript NM_000539.3 (MANE Select); coding-DNA position 92, T replaced by C.
Protein change: p.Leu31Pro; replaces leucine 31 with proline.
Molecular consequence: missense variant.
Genome position (GRCh38, 1-based): chr3:129,528,825, T>C. VCF-style: chr3-129528825-T-C. GRCh37 (hg19) VCF-style: chr3-129247668-T-C.
Other names: short protein forms L31P.
Identifiers: ClinVar variation 2858593 (VCV002858593.3), dbSNP rs2533019562, ClinGen allele CA354495650.